The following is an entry in ClinVar:

NM_001351132.2(PEX5):c.129A>G (p.Gly43=)

Gene: PEX5 (peroxisomal biogenesis factor 5; plus strand). Cytogenetic location: 12p13.31.
Variant type: single nucleotide variant.
Coding change: c.129A>G on transcript NM_001351132.2 (MANE Select); coding-DNA position 129, A replaced by G.
Protein change: p.Gly43=; no amino-acid change (glycine 43 retained).
Molecular consequence: synonymous variant.
Genome position (GRCh38, 1-based): chr12:7,190,506, A>G. VCF-style: chr12-7190506-A-G. GRCh37 (hg19) VCF-style: chr12-7343102-A-G.
Other names: c.129A>G, p.Gly43= (NM_000319.5, NM_001131023.2, NM_001131024.2 and 22 more transcripts).
Identifiers: ClinVar variation 593519 (VCV000593519.18), dbSNP rs932238098, ClinGen allele CA6426002.
Genomic context (GRCh38, chr12:7,190,506, plus strand): 5'-CTTCACCCAGGACAAGGCCCTTCGGCAGGAGGGATTGAGGCCTGGCCCCTGGCCCCCCGG[A>G]GCCCCGGCCTCTGAGGCAGTGAGTGTTCTTGAGGTGGAAAGCCCAGGTGCAGCCTCTGAG-3'
Protein context (NP_001338061.1, residues 33-53): EGLRPGPWPP[Gly43=]APASEAASKP

ClinVar aggregate classification (germline): Conflicting classifications of pathogenicity. Review status: criteria provided, conflicting classifications (1 of 4 stars). 4 submissions from 4 submitters: Uncertain significance (1); Likely benign (2). 1 of the submissions does not count toward it. Last evaluated 2025-09-22.

Conditions:
Peroxisome biogenesis disorder 2B (PBD2B). Identifiers: Orphanet 44, MedGen C3550234, MONDO:0008736, OMIM 202370.
PEX5-related disorder. Also called: PEX5-Related Disorders; PEX5-related condition.

Allele frequency attached by ClinVar (database versions not stated): gnomAD exomes 0.00001 and 0.00002; ExAC 0.00005; TOPMed 0.00013; gnomAD 0.00014 and 0.00015.
gnomAD v4.1: 27 of 1,612,956 alleles (0.0017%); highest among the groups gnomAD compares: African/African-American, 0.036%; no homozygotes.

Submissions (4):

Labcorp Genetics (formerly Invitae), Labcorp
Classification: Likely benign for Peroxisome biogenesis disorder 2B. Last evaluated: 2025-09-22. Review status: criteria provided, single submitter. Criteria: Invitae Variant Classification Sherloc (09022015). Collection method: clinical testing. Allele origin: germline.

Blueprint Genetics
Classification: Likely benign. Last evaluated: 2021-10-15. Review status: criteria provided, single submitter. Criteria: ACMG Guidelines, 2015. Collection method: clinical testing. Allele origin: germline.

Eurofins Ntd Llc (ga)
Classification: Uncertain significance. Last evaluated: 2017-08-04. Review status: criteria provided, single submitter. Criteria: EGL Classification Definitions 2015. Collection method: clinical testing. Allele origin: germline. Observed: 3 variant alleles, 3 heterozygotes.

PreventionGenetics, part of Exact Sciences
Classification: Likely benign for PEX5-related condition. Last evaluated: 2021-09-02. Review status: no assertion criteria provided. Collection method: clinical testing. Allele origin: germline. Not counted in ClinVar's aggregate classification.
Comment: This variant is classified as likely benign based on ACMG/AMP sequence variant interpretation guidelines (Richards et al. 2015 PMID: 25741868, with internal and published modifications).